The following is an entry in ClinVar:

NM_007254.4(PNKP):c.1264_1271del (p.Asp422fs)

Gene: PNKP (polynucleotide kinase 3'-phosphatase; minus strand). Cytogenetic location: 19q13.33.
Variant type: Deletion.
Coding change: c.1264_1271del on transcript NM_007254.4 (MANE Select); coding-DNA positions 1264 to 1271, 8 bases deleted (GACAACAC; older notation c.1264_1271delGACAACAC).
Protein change: p.Asp422fs; shifts the reading frame from aspartic acid 422.
Molecular consequence: frameshift variant.
Genome position (GRCh38, 1-based): chr19:49,861,799-49,861,806, GTGTTGTC deleted on the plus strand (GACAACAC on the coding strand, the reverse complement: PNKP is on the minus strand); deleting any 8 consecutive bases within chr19:49,861,799-49,861,807 gives the same sequence; the c. name uses the placement nearest the transcript's 3' end. VCF-style (leftmost placement, unchanged base first): chr19-49861798-TGTGTTGTC-T. GRCh37 (hg19) VCF-style: chr19-50365055-TGTGTTGTC-T.
Other names: short protein forms D422fs.
Identifiers: ClinVar variation 2709688 (VCV002709688.3), dbSNP rs1243918665, ClinGen allele CA633894537.

ClinVar aggregate classification (germline): Pathogenic (1 of 4 stars; one submission).

Conditions:
Developmental and epileptic encephalopathy, 12 (DEE12). Identifiers: MedGen C3150988, MONDO:0013389, OMIM 613722.

Submission:

Labcorp Genetics (formerly Invitae), Labcorp
Classification: Pathogenic for Developmental and epileptic encephalopathy, 12. Last evaluated: 2024-01-22. Review status: criteria provided, single submitter. Criteria: Invitae Variant Classification Sherloc (09022015). Collection method: clinical testing. Allele origin: germline.
Comment: This sequence change creates a premature translational stop signal (p.Asp422Lysfs*69) in the PNKP gene. While this is not anticipated to result in nonsense mediated decay, it is expected to disrupt the last 100 amino acid(s) of the PNKP protein. This variant is present in population databases (no rsID available, gnomAD 0.004%). This variant has not been reported in the literature in individuals affected with PNKP-related conditions. This variant disrupts a region of the PNKP protein in which other variant(s) (p.Gln517*) have been determined to be pathogenic (PMID: 30039206). This suggests that this is a clinically significant region of the protein, and that variants that disrupt it are likely to be disease-causing. For these reasons, this variant has been classified as Pathogenic.

Literature cited by the submitters: PubMed 30039206.